The following is an entry in ClinVar:

NM_006329.4(FBLN5):c.1283T>G (p.Val428Gly)

Gene: FBLN5 (fibulin 5; minus strand). Cytogenetic location: 14q32.12.
Variant type: single nucleotide variant.
Coding change: c.1283T>G on transcript NM_006329.4 (MANE Select); coding-DNA position 1283, T replaced by G.
Protein change: p.Val428Gly; replaces valine 428 with glycine.
Molecular consequence: missense variant. On other transcripts: 3 prime UTR variant (2).
Genome position (GRCh38, 1-based): chr14:91,870,288, A>C on the plus strand (T>G on the coding strand, the complement: FBLN5 is on the minus strand). VCF-style: chr14-91870288-A-C. GRCh37 (hg19) VCF-style: chr14-92336632-A-C.
Other names: c.1406T>G, p.Val469Gly (NM_001384158.1); c.1334T>G, p.Val445Gly (NM_001384159.1); c.*67T>G (NM_001384160.1, NM_001384161.1); c.1115T>G, p.Val372Gly (NM_001384162.1); short protein forms V469G, V372G, V428G, V445G.
Identifiers: ClinVar variation 2781418 (VCV002781418.3), dbSNP rs776859612, ClinGen allele CA7312571.
Genomic context (GRCh38, chr14:91,870,288, plus strand): 5'-AATGGGTACTGCGACACATATATCCGCAGTCGGATCACGGAGCTGCCTCTGAAGTTGATG[A>C]CAGTGTTGACAGTGATCATTTCCAAGTCCAGCTGGATTTCCCGGGGCCCTTTGATGGGGC-3'
Protein context (NP_006320.2, residues 418-438): LDLEMITVNT[Val428Gly]INFRGSSVIR

ClinVar aggregate classification (germline): Uncertain significance (1 of 4 stars; one submission).

Allele frequency attached by ClinVar (database versions not stated): gnomAD exomes below 0.00001; ExAC 0.00001.
gnomAD v4.1: 2 of 1,614,160 alleles (0.00012%); highest among the groups gnomAD compares: South Asian, 0.0022%; no homozygotes.

Submission:

Labcorp Genetics (formerly Invitae), Labcorp
Classification: Uncertain significance. Last evaluated: 2023-01-12. Review status: criteria provided, single submitter. Criteria: Invitae Variant Classification Sherloc (09022015). Collection method: clinical testing. Allele origin: germline.
Comment: In summary, the available evidence is currently insufficient to determine the role of this variant in disease. Therefore, it has been classified as a Variant of Uncertain Significance. Advanced modeling of protein sequence and biophysical properties (such as structural, functional, and spatial information, amino acid conservation, physicochemical variation, residue mobility, and thermodynamic stability) performed at Invitae indicates that this missense variant is not expected to disrupt FBLN5 protein function. This variant has not been reported in the literature in individuals affected with FBLN5-related conditions. This variant is present in population databases (rs776859612, gnomAD 0.003%). This sequence change replaces valine, which is neutral and non-polar, with glycine, which is neutral and non-polar, at codon 428 of the FBLN5 protein (p.Val428Gly).